The following is an entry in ClinVar:

NM_152296.5(ATP1A3):c.1802T>C (p.Ile601Thr)

Gene: ATP1A3 (ATPase Na+/K+ transporting subunit alpha 3; minus strand). Cytogenetic location: 19q13.2.
Variant type: single nucleotide variant.
Coding change: c.1802T>C on transcript NM_152296.5 (MANE Select); coding-DNA position 1802, T replaced by C.
Protein change: p.Ile601Thr; replaces isoleucine 601 with threonine.
Molecular consequence: missense variant.
Genome position (GRCh38, 1-based): chr19:41,978,155, A>G on the plus strand (T>C on the coding strand, the complement: ATP1A3 is on the minus strand). VCF-style: chr19-41978155-A-G. GRCh37 (hg19) VCF-style: chr19-42482307-A-G.
Other names: c.1835T>C, p.Ile612Thr (NM_001256213.2); c.1841T>C, p.Ile614Thr (NM_001256214.2); short protein forms I601T, I612T, I614T.
Identifiers: ClinVar variation 4855912 (VCV004855912.1).
Genomic context (GRCh38, chr19:41,978,155, plus strand): 5'-ATGGCCTCTCCCGCCCCACGCCTGGCTTTGCCTCCCCCAGCCACCCCAAGCCACACCTTG[A>G]TGCCTGCGCTGCGACACTTGCCCACCGCGTCAGGGACGGCTGCCCGGGGTGGGTCGATCA-3'
Protein context (NP_689509.1, residues 591-611): DAVGKCRSAG[Ile601Thr]KVIMVTGDHP

ClinVar aggregate classification (germline): Likely pathogenic (1 of 4 stars; one submission).

Conditions:
ATP1A3-related disorder. Also called: ATP1A3-related disorders; ATP1A3-related condition. Identifiers: MedGen CN381097.

Submission:

3billion
Classification: Likely pathogenic for ATP1A3-related disorder. Last evaluated: 2025-10-14. Review status: criteria provided, single submitter. Criteria: ACMG Guidelines, 2015. Collection method: clinical testing. Allele origin: germline. Affected: yes.
Comment: The variant is not observed in the gnomAD v4.1.0 dataset. Predicted Consequence/Location: Missense variant. Missense changes are a common disease-causing mechanism. In silico tool predictions suggest damaging effect of the variant on gene or gene product [REVEL: 0.98 (>=0.6, sensitivity 0.68 and specificity 0.92); 3Cnet: 0.99 (> 0.75, sensitivity 0.96 and precision 0.92)]. Different missense changes at the same codon have been reported as of uncertain significance (ClinVar ID: VCV000645467). Therefore, this variant is classified as Likely pathogenic according to the recommendation of ACMG/AMP guideline.